The following is an entry in ClinVar:

ClinVar aggregate classification (germline): Conflicting classifications of pathogenicity. Review status: criteria provided, conflicting classifications (1 of 4 stars). 3 submissions from 3 submitters: Uncertain significance (1); Benign (1); Likely benign (1). Last evaluated 2026-01-13.

Submissions (3):

Labcorp Genetics (formerly Invitae), Labcorp
Classification: Benign. Last evaluated: 2026-01-13. Review status: criteria provided, single submitter. Criteria: Invitae Variant Classification Sherloc (09022015). Collection method: clinical testing. Allele origin: germline.

CeGaT Center for Human Genetics Tuebingen
Classification: Uncertain significance. Last evaluated: 2025-07-01. Review status: criteria provided, single submitter. Criteria: CeGaT Center For Human Genetics Tuebingen Variant Classification Criteria Version 2. Collection method: clinical testing. Allele origin: germline. Affected: yes. Observed: 1 variant allele.
Comment: ABCB11: PM2, BP4

Eurofins Ntd Llc (ga)
Classification: Likely benign. Last evaluated: 2018-03-22. Review status: criteria provided, single submitter. Criteria: EGL ClinVar v180209 classification definitions. Collection method: clinical testing. Allele origin: germline. Observed: 1 variant allele, 1 heterozygote.

NM_003742.4(ABCB11):c.77-8del

Gene: ABCB11 (ATP binding cassette subfamily B member 11; minus strand). Cytogenetic location: 2q31.1.
Variant type: Deletion.
Coding change: c.77-8del on transcript NM_003742.4 (MANE Select); 8 bases into the intron before coding-DNA position 77, one base deleted (T; older notation c.77-8delT).
Molecular consequence: intron variant.
Genome position (GRCh38, 1-based): chr2:169,016,807, A deleted on the plus strand (T on the coding strand, the reverse complement: ABCB11 is on the minus strand); the first of 9 consecutive A bases (chr2:169,016,807-169,016,815); deleting any one gives the same sequence. VCF-style (leftmost placement, unchanged base first): chr2-169016806-GA-G. GRCh37 (hg19) VCF-style: chr2-169873316-GA-G.
Identifiers: ClinVar variation 500859 (VCV000500859.21), dbSNP rs746419453, ClinGen allele CA1952003.